The following is an entry in ClinVar:

ClinVar aggregate classification (germline): Likely benign (1 of 4 stars; one submission).

gnomAD v4.1: 13 of 1,611,226 alleles (0.00081%); highest among the groups gnomAD compares: South Asian, 0.0033%; no homozygotes.

Submission:

Mayo Clinic Laboratories, Mayo Clinic
Classification: Likely benign. Last evaluated: 2025-07-24. Review status: criteria provided, single submitter. Criteria: ACMG Guidelines, 2015. Collection method: clinical testing. Allele origin: germline. Observed: 1 variant allele.
Comment: BP4, BP7, PM2_supporting

NM_022114.4(PRDM16):c.1107C>T (p.Pro369=)

Gene: PRDM16 (PR/SET domain 16; plus strand). Cytogenetic location: 1p36.32.
Variant type: single nucleotide variant.
Coding change: c.1107C>T on transcript NM_022114.4 (MANE Select); coding-DNA position 1107, C replaced by T.
Protein change: p.Pro369=; no amino-acid change (proline 369 retained).
Molecular consequence: synonymous variant.
Genome position (GRCh38, 1-based): chr1:3,405,569, C>T. VCF-style: chr1-3405569-C-T. GRCh37 (hg19) VCF-style: chr1-3322133-C-T.
Other names: p.Pro369=; c.1107C>T, p.Pro369= (NM_199454.3).
Identifiers: ClinVar variation 4683517 (VCV004683517.1).